The following is an entry in ClinVar:

ClinVar aggregate classification (germline): Likely benign (1 of 4 stars; one submission).

Conditions:
Hermansky-Pudlak syndrome 5 (HPS5). Identifiers: Orphanet 231512, Orphanet 79430, MedGen C3888004, MONDO:0013557, OMIM 614074.

Allele frequency attached by ClinVar (database versions not stated): gnomAD 0.00024 and 0.00035; TOPMed 0.00042; 1000 Genomes Project 0.00280; 1000 Genomes Project 30x 0.00281.

Submission:

Illumina Laboratory Services, Illumina
Classification: Likely benign for Hermansky-Pudlak syndrome 5. Last evaluated: 2018-01-13. Review status: criteria provided, single submitter. Criteria: ICSL Variant Classification Criteria 13 December 2019. Collection method: clinical testing. Allele origin: germline.
Comment: This variant was observed in the ICSL laboratory as part of a predisposition screen in an ostensibly healthy population. It had not been previously curated by ICSL or reported in the Human Gene Mutation Database (HGMD: prior to June 1st, 2018), and was therefore a candidate for classification through an automated scoring system. Utilizing variant allele frequency, disease prevalence and penetrance estimates, and inheritance mode, an automated score was calculated to assess if this variant is too frequent to cause the disease. Based on the score and internal cut-off values, a variant classified as likely benign is not then subjected to further curation. The score for this variant resulted in a classification of likely benign for this disease.

NM_181507.2(HPS5):c.*688A>G

Gene: HPS5 (HPS5 biogenesis of lysosomal organelles complex 2 subunit 2; minus strand). Cytogenetic location: 11p15.1.
Variant type: single nucleotide variant.
Coding change: c.*688A>G on transcript NM_181507.2 (MANE Select); 688 bases downstream of the stop codon, A replaced by G.
Molecular consequence: 3 prime UTR variant.
Genome position (GRCh38, 1-based): chr11:18,279,194, T>C on the plus strand (A>G on the coding strand, the complement: HPS5 is on the minus strand). VCF-style: chr11-18279194-T-C. GRCh37 (hg19) VCF-style: chr11-18300741-T-C.
Other names: c.*688A>G (NM_007216.4, NM_181508.2).
Identifiers: ClinVar variation 303855 (VCV000303855.5), dbSNP rs145507598, ClinGen allele CA10638646.
Genomic context (GRCh38, chr11:18,279,194, plus strand): 5'-GTGCAATGGCACAAACACATCTCATTGCGGCCTGGACCTCCTGGCCTCAGGTACTATGCC[T>C]AGCTAATTTTTTTTATTTTTTGTAGAGATGCATTCTCACTATGTTGCCCAGGCTGGTCTT-3'